The following is an entry in ClinVar:

NM_015443.4(KANSL1):c.2541+157A>C

Gene: KANSL1 (KAT8 regulatory NSL complex subunit 1). Cytogenetic location: 17q21.31.
Variant type: single nucleotide variant.
Coding change: c.2541+157A>C on transcript NM_015443.4 (MANE Select); 157 bases into the intron after coding-DNA position 2541, A replaced by C.
Molecular consequence: intron variant.
Genome position (GRCh38, 1-based): chr17:46,038,381, T>G on the plus strand (A>C on the coding strand, the complement: KANSL1 is on the minus strand). VCF-style: chr17-46038381-T-G. GRCh37 (hg19) VCF-style: chr17-44115747-T-G.
Other names: c.1086+157A>C (NM_001405885.1, NM_001405884.1); c.1275+157A>C (NM_001405883.1, NM_001405882.1); c.2439+157A>C (NM_001405881.1, NM_001405861.1, NM_001405859.1 and 1 more transcripts); c.2352+157A>C (NM_001405879.1, NM_001405875.1, NM_001405878.1 and 3 more transcripts); c.2541+157A>C (NM_001193465.2, NM_001405872.1, NM_001379198.1 and 8 more transcripts).
Identifiers: ClinVar variation 2647857 (VCV002647857.24), dbSNP rs147877861, ClinGen allele CA15897795.

ClinVar aggregate classification (germline): Benign (1 of 4 stars; one submission).

Allele frequency attached by ClinVar (database versions not stated): 1000 Genomes Project 0.00120; 1000 Genomes Project 30x 0.00125.
gnomAD v4.1: 4,239 of 765,326 alleles (0.55%); highest among the groups gnomAD compares: Non-Finnish European, 0.72%; 17 homozygotes.

Submission:

CeGaT Center for Human Genetics Tuebingen
Classification: Benign. Last evaluated: 2023-05-01. Review status: criteria provided, single submitter. Criteria: CeGaT Center For Human Genetics Tuebingen Variant Classification Criteria Version 2. Collection method: clinical testing. Allele origin: germline. Affected: yes. Observed: 10 variant alleles.
Comment: KANSL1: BS1, BS2